The following is an entry in ClinVar:

ClinVar aggregate classification (germline): Likely benign. Review status: criteria provided, multiple submitters, no conflicts (2 of 4 stars). 4 submissions from 4 submitters: Likely benign (3). 1 of the submissions does not count toward it. Last evaluated 2025-11-19.

Conditions:
Alagille syndrome due to a JAG1 point mutation. Also called: HEPATIC DUCTULAR HYPOPLASIA, SYNDROMATIC; Alagille Syndrome 1; JAG1-Related Alagille Syndrome. Identifiers: Orphanet 261619, Orphanet 52, MedGen C1956125, MONDO:0016862, OMIM 118450.
JAG1-related disorder. Also called: JAG1-related condition; JAG1-related disorders.

gnomAD v4.1: 6 of 1,613,114 alleles (0.00037%); highest among the groups gnomAD compares: South Asian, 0.0055%; no homozygotes.

Submissions (4):

Labcorp Genetics (formerly Invitae), Labcorp
Classification: Likely benign for Alagille syndrome due to a JAG1 point mutation. Last evaluated: 2025-11-19. Review status: criteria provided, single submitter. Criteria: Invitae Variant Classification Sherloc (09022015). Collection method: clinical testing. Allele origin: germline.

Women's Health and Genetics/Laboratory Corporation of America, LabCorp
Classification: Likely benign. Last evaluated: 2024-03-28. Review status: criteria provided, single submitter. Criteria: LabCorp Variant Classification Summary - May 2015. Collection method: clinical testing. Allele origin: germline.

Blueprint Genetics
Classification: Likely benign. Last evaluated: 2022-08-26. Review status: criteria provided, single submitter. Criteria: ACMG Guidelines, 2015. Collection method: clinical testing. Allele origin: germline.

PreventionGenetics, part of Exact Sciences
Classification: Likely benign for JAG1-related condition. Last evaluated: 2020-01-02. Review status: no assertion criteria provided. Collection method: clinical testing. Allele origin: germline. Not counted in ClinVar's aggregate classification.
Comment: This variant is classified as likely benign based on ACMG/AMP sequence variant interpretation guidelines (Richards et al. 2015 PMID: 25741868, with internal and published modifications).

NM_000214.3(JAG1):c.435C>A (p.Thr145=)

Gene: JAG1 (jagged canonical Notch ligand 1; minus strand). Cytogenetic location: 20p12.2.
Variant type: single nucleotide variant.
Coding change: c.435C>A on transcript NM_000214.3 (MANE Select); coding-DNA position 435, C replaced by A.
Protein change: p.Thr145=; no amino-acid change (threonine 145 retained).
Molecular consequence: synonymous variant.
Genome position (GRCh38, 1-based): chr20:10,663,967, G>T on the plus strand (C>A on the coding strand, the complement: JAG1 is on the minus strand). VCF-style: chr20-10663967-G-T. GRCh37 (hg19) VCF-style: chr20-10644615-G-T.
Identifiers: ClinVar variation 697717 (VCV000697717.14), dbSNP rs747879633, ClinGen allele CA509662122.
Genomic context (GRCh38, chr20:10,663,967, plus strand): 5'-CCAAGCCCCACACTTCCACGTGTGTTTAGAGAAAAGTCCACAGAAGCGATACTTACGAAC[G>T]GTGTCATTACTGGAATCCCACGCCTCCACAAGCAACGTATAGGACCTCTGCAAGACAAAC-3'
Protein context (NP_000205.1, residues 135-155): LVEAWDSSND[Thr145=]VQPDSIIEKA